The following is an entry in ClinVar:

NM_021098.3(CACNA1H):c.6727G>A (p.Asp2243Asn)

Gene: CACNA1H (calcium voltage-gated channel subunit alpha1 H; plus strand). Cytogenetic location: 16p13.3.
Variant type: single nucleotide variant.
Coding change: c.6727G>A on transcript NM_021098.3 (MANE Select); coding-DNA position 6727, G replaced by A.
Protein change: p.Asp2243Asn; replaces aspartic acid 2243 with asparagine.
Molecular consequence: missense variant.
Genome position (GRCh38, 1-based): chr16:1,220,659, G>A. VCF-style: chr16-1220659-G-A. GRCh37 (hg19) VCF-style: chr16-1270659-G-A.
Other names: c.6709G>A, p.Asp2237Asn (NM_001005407.2); short protein forms D2237N, D2243N.
Identifiers: ClinVar variation 859861 (VCV000859861.9), dbSNP rs764148791, ClinGen allele CA394150344.

ClinVar aggregate classification (germline): Uncertain significance (1 of 4 stars; one submission).

Conditions:
Idiopathic generalized epilepsy. Also called: Generalised epilepsy; EIG. Identifiers: MedGen C0270850, MONDO:0005579, OMIM 600669.
Hyperaldosteronism, familial, type IV (HALD4). Also called: FH IV; ALDOSTERONISM, PRIMARY, AND HYPERTENSION. Identifiers: Orphanet 642671, MedGen C4310756, MONDO:0014875, OMIM 617027.

gnomAD v4.1: 3 of 1,606,328 alleles (0.00019%); highest among the groups gnomAD compares: East Asian, 0.0022%; no homozygotes.

Submission:

Labcorp Genetics (formerly Invitae), Labcorp
Classification: Uncertain significance for Idiopathic generalized epilepsy; Hyperaldosteronism, familial, type IV. Last evaluated: 2022-06-04. Review status: criteria provided, single submitter. Criteria: Invitae Variant Classification Sherloc (09022015). Collection method: clinical testing. Allele origin: germline.
Comment: In summary, the available evidence is currently insufficient to determine the role of this variant in disease. Therefore, it has been classified as a Variant of Uncertain Significance. Advanced modeling of protein sequence and biophysical properties (such as structural, functional, and spatial information, amino acid conservation, physicochemical variation, residue mobility, and thermodynamic stability) performed at Invitae indicates that this missense variant is not expected to disrupt CACNA1H protein function. ClinVar contains an entry for this variant (Variation ID: 859861). This variant has not been reported in the literature in individuals affected with CACNA1H-related conditions. This variant is not present in population databases (gnomAD no frequency). This sequence change replaces aspartic acid, which is acidic and polar, with asparagine, which is neutral and polar, at codon 2243 of the CACNA1H protein (p.Asp2243Asn).